The following is an entry in ClinVar:

NM_003738.5(PTCH2):c.190T>C (p.Leu64=)

Gene: PTCH2 (patched 2; minus strand). Cytogenetic location: 1p34.1.
Variant type: single nucleotide variant.
Coding change: c.190T>C on transcript NM_003738.5 (MANE Select); coding-DNA position 190, T replaced by C.
Protein change: p.Leu64=; no amino-acid change (leucine 64 retained).
Molecular consequence: synonymous variant.
Genome position (GRCh38, 1-based): chr1:44,841,922, A>G on the plus strand (T>C on the coding strand, the complement: PTCH2 is on the minus strand). VCF-style: chr1-44841922-A-G. GRCh37 (hg19) VCF-style: chr1-45307594-A-G.
Other names: c.190T>C, p.Leu64= (NM_001166292.2).
Identifiers: ClinVar variation 415454 (VCV000415454.21), dbSNP rs199655603, ClinGen allele CA823725.

ClinVar aggregate classification (germline): Benign/Likely benign. Review status: criteria provided, multiple submitters, no conflicts (2 of 4 stars). 3 submissions from 3 submitters: Benign (1); Likely benign (1). 1 of the submissions does not count toward it. Last evaluated 2025-09-23.

Conditions:
Gorlin syndrome. Also called: Nevoid Basal Cell Carcinoma Syndrome; Basal cell nevus syndrome. Identifiers: Orphanet 377, MedGen C0004779, MONDO:0007187.
PTCH2-related disorder. Also called: PTCH2-related condition; PTCH2-related disease.

Allele frequency attached by ClinVar (database versions not stated): 1000 Genomes Project 30x 0.00078; 1000 Genomes Project 0.00080; gnomAD 0.00005 and 0.00015; TOPMed 0.00009; gnomAD exomes 0.00016 and 0.00034; ESP Exome Variant Server 0.00023; ExAC 0.00038.
gnomAD v4.1: 260 of 1,614,246 alleles (0.016%); highest among the groups gnomAD compares: South Asian, 0.19%; 1 homozygote.

Submissions (3):

Labcorp Genetics (formerly Invitae), Labcorp
Classification: Benign for Gorlin syndrome. Last evaluated: 2025-09-23. Review status: criteria provided, single submitter. Criteria: Invitae Variant Classification Sherloc (09022015). Collection method: clinical testing. Allele origin: germline.

CeGaT Center for Human Genetics Tuebingen
Classification: Likely benign. Last evaluated: 2025-04-01. Review status: criteria provided, single submitter. Criteria: CeGaT Center For Human Genetics Tuebingen Variant Classification Criteria Version 2. Collection method: clinical testing. Allele origin: germline. Affected: yes. Observed: 1 variant allele.
Comment: PTCH2: BP4, BP7

PreventionGenetics, part of Exact Sciences
Classification: Likely benign for PTCH2-related condition. Last evaluated: 2020-08-24. Review status: no assertion criteria provided. Collection method: clinical testing. Allele origin: germline. Not counted in ClinVar's aggregate classification.
Comment: This variant is classified as likely benign based on ACMG/AMP sequence variant interpretation guidelines (Richards et al. 2015 PMID: 25741868, with internal and published modifications).